The following is an entry in ClinVar:

ClinVar aggregate classification (germline): Uncertain significance (1 of 4 stars; one submission).

Conditions:
Andersen Tawil syndrome (LQT7). Also called: ANDERSEN CARDIODYSRHYTHMIC PERIODIC PARALYSIS; LONG QT SYNDROME 7; PERIODIC PARALYSIS, POTASSIUM-SENSITIVE CARDIODYSRHYTHMIC TYPE; Andersen Syndrome; Potassium-sensitive periodic paralysis, ventricular ectopy, and dysmorphic features. Identifiers: Orphanet 37553, MedGen C1563715, MONDO:0008222, OMIM 170390.
Short QT syndrome type 3. Identifiers: Orphanet 51083, MedGen C1865018, MONDO:0012314, OMIM 609622.

Submission:

Labcorp Genetics (formerly Invitae), Labcorp
Classification: Uncertain significance for Short QT syndrome type 3; Andersen Tawil syndrome. Last evaluated: 2025-01-22. Review status: criteria provided, single submitter. Criteria: Invitae Variant Classification Sherloc (09022015). Collection method: clinical testing. Allele origin: germline.
Comment: This sequence change replaces methionine, which is neutral and non-polar, with leucine, which is neutral and non-polar, at codon 19 of the KCNJ2 protein (p.Met19Leu). This variant is not present in population databases (gnomAD no frequency). This variant has not been reported in the literature in individuals affected with KCNJ2-related conditions. Invitae Evidence Modeling of protein sequence and biophysical properties (such as structural, functional, and spatial information, amino acid conservation, physicochemical variation, residue mobility, and thermodynamic stability) indicates that this missense variant is not expected to disrupt KCNJ2 protein function with a negative predictive value of 95%. In summary, the available evidence is currently insufficient to determine the role of this variant in disease. Therefore, it has been classified as a Variant of Uncertain Significance.

NM_000891.3(KCNJ2):c.55A>T (p.Met19Leu)

Gene: KCNJ2 (potassium inwardly rectifying channel subfamily J member 2; plus strand). Cytogenetic location: 17q24.3.
Variant type: single nucleotide variant.
Coding change: c.55A>T on transcript NM_000891.3 (MANE Select); coding-DNA position 55, A replaced by T.
Protein change: p.Met19Leu; replaces methionine 19 with leucine.
Molecular consequence: missense variant.
Genome position (GRCh38, 1-based): chr17:70,175,094, A>T. VCF-style: chr17-70175094-A-T. GRCh37 (hg19) VCF-style: chr17-68171235-A-T.
Other names: short protein forms M19L.
Identifiers: ClinVar variation 3751686 (VCV003751686.2).